The following is an entry in ClinVar:

ClinVar aggregate classification (germline): Uncertain significance (1 of 4 stars; one submission).

Conditions:
Joubert syndrome 21 (JBTS21). Identifiers: MedGen C3810212, MONDO:0014288, OMIM 615636.

Allele frequency attached by ClinVar (database versions not stated): gnomAD exomes below 0.00001 and 0.00001; ExAC 0.00001; TOPMed 0.00006; gnomAD 0.00007 and 0.00008.
gnomAD v4.1: 15 of 1,587,034 alleles (0.00095%); highest among the groups gnomAD compares: African/African-American, 0.019%; no homozygotes.

Submission:

Labcorp Genetics (formerly Invitae), Labcorp
Classification: Uncertain significance for Joubert syndrome 21. Last evaluated: 2022-08-15. Review status: criteria provided, single submitter. Criteria: Invitae Variant Classification Sherloc (09022015). Collection method: clinical testing. Allele origin: germline.
Comment: This sequence change replaces glutamic acid, which is acidic and polar, with lysine, which is basic and polar, at codon 744 of the CSPP1 protein (p.Glu744Lys). This variant is present in population databases (rs770075138, gnomAD 0.01%). This variant has not been reported in the literature in individuals affected with CSPP1-related conditions. ClinVar contains an entry for this variant (Variation ID: 1057540). Algorithms developed to predict the effect of missense changes on protein structure and function are either unavailable or do not agree on the potential impact of this missense change (SIFT: "Tolerated"; PolyPhen-2: "Probably Damaging"; Align-GVGD: "Class C0"). In summary, the available evidence is currently insufficient to determine the role of this variant in disease. Therefore, it has been classified as a Variant of Uncertain Significance.

NM_001382391.1(CSPP1):c.2245G>A (p.Glu749Lys)

Gene: CSPP1 (centrosome and spindle pole associated protein 1; plus strand). Cytogenetic location: 8q13.2.
Variant type: single nucleotide variant.
Coding change: c.2245G>A on transcript NM_001382391.1 (MANE Select); coding-DNA position 2245, G replaced by A.
Protein change: p.Glu749Lys; replaces glutamic acid 749 with lysine.
Molecular consequence: missense variant.
Genome position (GRCh38, 1-based): chr8:67,158,450, G>A. VCF-style: chr8-67158450-G-A. GRCh37 (hg19) VCF-style: chr8-68070685-G-A.
Other names: c.1195G>A, p.Glu399Lys (NM_001291339.2); c.2164G>A, p.Glu722Lys (NM_001363131.2); c.2050G>A, p.Glu684Lys (NM_001363132.2); c.1969G>A, p.Glu657Lys (NM_001363133.2); c.2311G>A, p.Glu771Lys (NM_001364869.1); c.2131G>A, p.Glu711Lys (NM_001364870.1); c.2230G>A, p.Glu744Lys (NM_024790.7); short protein forms E399K, E657K, E684K, E711K, E722K, E744K, E749K, E771K.
Identifiers: ClinVar variation 1057540 (VCV001057540.4), dbSNP rs770075138, ClinGen allele CA4770794.